The following is an entry in ClinVar:

ClinVar aggregate classification (germline): Uncertain significance (1 of 4 stars; one submission).

Submission:

Labcorp Genetics (formerly Invitae), Labcorp
Classification: Uncertain significance. Last evaluated: 2025-08-29. Review status: criteria provided, single submitter. Criteria: Invitae Variant Classification Sherloc (09022015). Collection method: clinical testing. Allele origin: germline.
Comment: This variant, c.5261_5263del, results in the deletion of 1 amino acid(s) of the TAF1 protein (p.Glu1754del), but otherwise preserves the integrity of the reading frame. This variant is not present in population databases (gnomAD no frequency). This variant has not been reported in the literature in individuals affected with TAF1-related conditions. Experimental studies and prediction algorithms are not available or were not evaluated, and the functional significance of this variant is currently unknown. In summary, the available evidence is currently insufficient to determine the role of this variant in disease. Therefore, it has been classified as a Variant of Uncertain Significance.

NM_004606.5(TAF1):c.5198AAG[1] (p.Glu1734del)

Gene: TAF1 (TATA-box binding protein associated factor 1; plus strand). Cytogenetic location: Xq13.1.
Variant type: Microsatellite.
Coding change: c.5198AAG[1] on transcript NM_004606.5 (MANE Select); one copy of the 3-base unit AAG starting at c.5198; the reference has two copies in a row; one copy, 3 bases deleted.
Protein change: p.Glu1734del; deletes glutamic acid 1734.
Molecular consequence: inframe deletion. On other transcripts: non-coding transcript variant (9).
Genome position (GRCh38, 1-based): chrX:71,459,688-71,459,690, AAG deleted; deleting any 3 consecutive bases within chrX:71,459,684-71,459,690 gives the same sequence; the position shown is the placement nearest the transcript's 3' end. VCF-style (leftmost placement, unchanged base first): chrX-71459683-TGAA-T. GRCh37 (hg19) VCF-style: chrX-70679533-TGAA-T.
Other names: c.5204AAG[1], p.Glu1736del (NM_001286074.2); c.5300AAG[1], p.Glu1768del (NM_001440852.1); c.5198AAG[1], p.Glu1734del (NM_001440853.1); c.5135AAG[1], p.Glu1713del (NM_001440854.1, NM_138923.4); short protein forms E1734del, E1736del, E1768del, E1713del.
Identifiers: ClinVar variation 4716174 (VCV004716174.1).
Genomic context (GRCh38, chrX:71,459,683, plus strand): 5'-CCTGTATGAGGATTTGCTTATGTCTGAAGGAGAAGATGATGAGGAAGATGCTGGGAGTGA[TGAA>T]GAAGGAGACAATCCTTTCTCTGGTAGGCCTCAACCATTGCTTCTATTCCTTTATAACTCA-3'